The following is an entry in ClinVar:

NM_006904.7(PRKDC):c.3665A>G (p.Asn1222Ser)

Gene: PRKDC (protein kinase, DNA-activated, catalytic subunit; minus strand). Cytogenetic location: 8q11.21.
Variant type: single nucleotide variant.
Coding change: c.3665A>G on transcript NM_006904.7 (MANE Select); coding-DNA position 3665, A replaced by G.
Protein change: p.Asn1222Ser; replaces asparagine 1222 with serine.
Molecular consequence: missense variant.
Genome position (GRCh38, 1-based): chr8:47,893,321, T>C on the plus strand (A>G on the coding strand, the complement: PRKDC is on the minus strand). VCF-style: chr8-47893321-T-C. GRCh37 (hg19) VCF-style: chr8-48805881-T-C.
Other names: c.3665A>G, p.Asn1222Ser (NM_001081640.2); short protein forms N1222S.
Identifiers: ClinVar variation 1733715 (VCV001733715.2), dbSNP rs2154501976, ClinGen allele CA371150892.

ClinVar aggregate classification (germline): Uncertain significance (1 of 4 stars; one submission).

Allele frequency attached by ClinVar (database versions not stated): gnomAD exomes below 0.00001.
gnomAD v4.1: 5 of 1,593,876 alleles (0.00031%); highest among the groups gnomAD compares: Admixed American, 0.0017%; no homozygotes.

Submission:

Ambry Genetics
Classification: Uncertain significance. Last evaluated: 2021-09-02. Review status: criteria provided, single submitter. Criteria: Ambry Variant Classification Scheme 2023. Collection method: clinical testing. Allele origin: germline.
Comment: The p.N1222S variant (also known as c.3665A>G), located in coding exon 31 of the PRKDC gene, results from an A to G substitution at nucleotide position 3665. The asparagine at codon 1222 is replaced by serine, an amino acid with highly similar properties. This amino acid position is conserved. In addition, this alteration is predicted to be tolerated by in silico analysis. Since supporting evidence is limited at this time, the clinical significance of this alteration remains unclear.